The following is an entry in ClinVar:

ClinVar aggregate classification (germline): Uncertain significance (1 of 4 stars; one submission).

gnomAD v4.1: 2 of 1,614,074 alleles (0.00012%); highest among the groups gnomAD compares: Admixed American, 0.0017%; no homozygotes.

Submission:

Labcorp Genetics (formerly Invitae), Labcorp
Classification: Uncertain significance. Last evaluated: 2022-03-20. Review status: criteria provided, single submitter. Criteria: Invitae Variant Classification Sherloc (09022015). Collection method: clinical testing. Allele origin: germline.
Comment: This sequence change replaces aspartic acid, which is acidic and polar, with asparagine, which is neutral and polar, at codon 1016 of the LRP2 protein (p.Asp1016Asn). This variant is not present in population databases (gnomAD no frequency). This variant has not been reported in the literature in individuals affected with LRP2-related conditions. Advanced modeling of protein sequence and biophysical properties (such as structural, functional, and spatial information, amino acid conservation, physicochemical variation, residue mobility, and thermodynamic stability) performed at Invitae indicates that this missense variant is not expected to disrupt LRP2 protein function. In summary, the available evidence is currently insufficient to determine the role of this variant in disease. Therefore, it has been classified as a Variant of Uncertain Significance.

NM_004525.3(LRP2):c.3046G>A (p.Asp1016Asn)

Gene: LRP2 (LDL receptor related protein 2; minus strand). Cytogenetic location: 2q31.1.
Variant type: single nucleotide variant.
Coding change: c.3046G>A on transcript NM_004525.3 (MANE Select); coding-DNA position 3046, G replaced by A.
Protein change: p.Asp1016Asn; replaces aspartic acid 1016 with asparagine.
Molecular consequence: missense variant.
Genome position (GRCh38, 1-based): chr2:169,246,849, C>T on the plus strand (G>A on the coding strand, the complement: LRP2 is on the minus strand). VCF-style: chr2-169246849-C-T. GRCh37 (hg19) VCF-style: chr2-170103359-C-T.
Other names: short protein forms D1016N.
Identifiers: ClinVar variation 1432440 (VCV001432440.3), dbSNP rs1342069896, ClinGen allele CA349153166.